The following is an entry in ClinVar:

NM_001195263.2(PDZD7):c.763G>A (p.Gly255Arg)

Gene: PDZD7 (PDZ domain containing 7; minus strand). Cytogenetic location: 10q24.31.
Variant type: single nucleotide variant.
Coding change: c.763G>A on transcript NM_001195263.2 (MANE Select); coding-DNA position 763, G replaced by A.
Protein change: p.Gly255Arg; replaces glycine 255 with arginine.
Molecular consequence: missense variant.
Genome position (GRCh38, 1-based): chr10:101,021,902, C>T on the plus strand (G>A on the coding strand, the complement: PDZD7 is on the minus strand). VCF-style: chr10-101021902-C-T. GRCh37 (hg19) VCF-style: chr10-102781659-C-T.
Other names: p.Gly255Arg; c.763G>A, p.Gly255Arg (NM_001351044.2, NM_024895.5); short protein forms G255R.
Identifiers: ClinVar variation 960361 (VCV000960361.7), dbSNP rs1853127598, ClinGen allele CA378229827.

ClinVar aggregate classification (germline): Uncertain significance. Review status: criteria provided, multiple submitters, no conflicts (2 of 4 stars). 3 submissions from 3 submitters: Uncertain significance (3). Last evaluated 2024-12-12.

Conditions:
Inborn genetic diseases. Identifiers: MedGen C0950123, MeSH D030342.

Allele frequency attached by ClinVar (database versions not stated): gnomAD exomes below 0.00001; TOPMed below 0.00001.
gnomAD v4.1: 6 of 1,614,162 alleles (0.00037%); highest among the groups gnomAD compares: South Asian, 0.0011%; no homozygotes.

Submissions (3):

Ambry Genetics
Classification: Uncertain significance for Inborn genetic diseases. Last evaluated: 2024-12-12. Review status: criteria provided, single submitter. Criteria: Ambry Variant Classification Scheme 2023. Collection method: clinical testing. Allele origin: germline.

Mayo Clinic Laboratories, Mayo Clinic
Classification: Uncertain significance. Last evaluated: 2024-07-10. Review status: criteria provided, single submitter. Criteria: ACMG Guidelines, 2015. Collection method: clinical testing. Allele origin: germline. Observed: 1 variant allele.
Comment: PP3, PM2_moderate

Labcorp Genetics (formerly Invitae), Labcorp
Classification: Uncertain significance. Last evaluated: 2022-10-24. Review status: criteria provided, single submitter. Criteria: Invitae Variant Classification Sherloc (09022015). Collection method: clinical testing. Allele origin: germline.
Comment: This sequence change replaces glycine, which is neutral and non-polar, with arginine, which is basic and polar, at codon 255 of the PDZD7 protein (p.Gly255Arg). This variant is not present in population databases (gnomAD no frequency). This variant has not been reported in the literature in individuals affected with PDZD7-related conditions. ClinVar contains an entry for this variant (Variation ID: 960361). Advanced modeling of protein sequence and biophysical properties (such as structural, functional, and spatial information, amino acid conservation, physicochemical variation, residue mobility, and thermodynamic stability) has been performed at Invitae for this missense variant, however the output from this modeling did not meet the statistical confidence thresholds required to predict the impact of this variant on PDZD7 protein function. In summary, the available evidence is currently insufficient to determine the role of this variant in disease. Therefore, it has been classified as a Variant of Uncertain Significance.